The following is an entry in ClinVar:

NM_001010867.4(IBA57):c.434T>C (p.Ile145Thr)

Gene: IBA57 (iron-sulfur cluster assembly factor IBA57; plus strand). Cytogenetic location: 1q42.13.
Variant type: single nucleotide variant.
Coding change: c.434T>C on transcript NM_001010867.4 (MANE Select); coding-DNA position 434, T replaced by C.
Protein change: p.Ile145Thr; replaces isoleucine 145 with threonine.
Molecular consequence: missense variant. On other transcripts: 5 prime UTR variant (1).
Genome position (GRCh38, 1-based): chr1:228,174,784, T>C. VCF-style: chr1-228174784-T-C. GRCh37 (hg19) VCF-style: chr1-228362485-T-C.
Other names: c.-146T>C (NM_001310327.2); short protein forms I145T.
Identifiers: ClinVar variation 1022231 (VCV001022231.9), dbSNP rs2034983313, ClinGen allele CA345112283.
Genomic context (GRCh38, chr1:228,174,784, plus strand): 5'-TTCTGGAGTGTGACAGCTCGGTGCAGGGCGCGCTGCAGAAGCACCTCGCGCTATACAGGA[T>C]CCGGCGGAAGGTCACGGTGGAGCCGCACCCGGAGCTGCGAGTGTGGGCGGTGTTGCCCAG-3'
Protein context (NP_001010867.1, residues 135-155): ALQKHLALYR[Ile145Thr]RRKVTVEPHP

ClinVar aggregate classification (germline): Uncertain significance (1 of 4 stars; one submission).

Conditions:
Hereditary spastic paraplegia 74. Also called: Spastic paraplegia 74, autosomal recessive. Identifiers: Orphanet 468661, MedGen C5568837, MONDO:0014644, OMIM 616451.
Multiple mitochondrial dysfunctions syndrome 3 (MMDS3). Identifiers: Orphanet 363424, MedGen C3809165, MONDO:0014132, OMIM 615330.

Submission:

Labcorp Genetics (formerly Invitae), Labcorp
Classification: Uncertain significance for Multiple mitochondrial dysfunctions syndrome 3; Hereditary spastic paraplegia 74. Last evaluated: 2020-01-13. Review status: criteria provided, single submitter. Criteria: Invitae Variant Classification Sherloc (09022015). Collection method: clinical testing. Allele origin: germline.
Comment: In summary, the available evidence is currently insufficient to determine the role of this variant in disease. Therefore, it has been classified as a Variant of Uncertain Significance. Algorithms developed to predict the effect of missense changes on protein structure and function are either unavailable or do not agree on the potential impact of this missense change (SIFT: "Deleterious"; PolyPhen-2: "Possibly Damaging"; Align-GVGD: "Class C15"). This variant has not been reported in the literature in individuals with IBA57-related conditions. This variant is not present in population databases (ExAC no frequency). This sequence change replaces isoleucine with threonine at codon 145 of the IBA57 protein (p.Ile145Thr). The isoleucine residue is moderately conserved and there is a moderate physicochemical difference between isoleucine and threonine.